The following is an entry in ClinVar:

NM_000057.4(BLM):c.1084G>C (p.Asp362His)

Gene: BLM (BLM RecQ like helicase; plus strand). Cytogenetic location: 15q26.1.
Variant type: single nucleotide variant.
Coding change: c.1084G>C on transcript NM_000057.4 (MANE Select); coding-DNA position 1084, G replaced by C.
Protein change: p.Asp362His; replaces aspartic acid 362 with histidine.
Molecular consequence: missense variant. On other transcripts: 5 prime UTR variant (1).
Genome position (GRCh38, 1-based): chr15:90,754,935, G>C. VCF-style: chr15-90754935-G-C. GRCh37 (hg19) VCF-style: chr15-91298165-G-C.
Other names: c.1084G>C, p.Asp362His (NM_001287246.2, NM_001287247.2); c.-208G>C (NM_001287248.2); short protein forms D362H.
Identifiers: ClinVar variation 4824944 (VCV004824944.1).

ClinVar aggregate classification (germline): Uncertain significance (1 of 4 stars; one submission).

Conditions:
Hereditary cancer-predisposing syndrome. Also called: Neoplastic Syndromes, Hereditary; Tumor predisposition; Hereditary Cancer Syndrome; Hereditary neoplastic syndrome. Identifiers: Orphanet 140162, MedGen C0027672, MeSH D009386, MONDO:0015356.

Submission:

Ambry Genetics
Classification: Uncertain significance for Hereditary cancer-predisposing syndrome. Last evaluated: 2026-02-17. Review status: criteria provided, single submitter. Criteria: Ambry Variant Classification Scheme 2023. Collection method: clinical testing. Allele origin: germline.
Comment: The p.D362H variant (also known as c.1084G>C), located in coding exon 4 of the BLM gene, results from a G to C substitution at nucleotide position 1084. The aspartic acid at codon 362 is replaced by histidine, an amino acid with similar properties. This amino acid position is conserved. In addition, this alteration is predicted to be tolerated by in silico analysis. Based on the available evidence, the clinical significance of this variant remains unclear.